The following is an entry in ClinVar:

NM_014425.5(INVS):c.1234+4G>C

Gene: INVS (inversin; plus strand). Cytogenetic location: 9q31.1.
Variant type: single nucleotide variant.
Coding change: c.1234+4G>C on transcript NM_014425.5 (MANE Select); 4 bases into the intron after coding-DNA position 1234, G replaced by C.
Molecular consequence: intron variant.
Genome position (GRCh38, 1-based): chr9:100,252,442, G>C. VCF-style: chr9-100252442-G-C. GRCh37 (hg19) VCF-style: chr9-103014724-G-C.
Other names: c.946+4G>C (NM_001318381.2); c.256+4G>C (NM_001318382.2).
Identifiers: ClinVar variation 3703927 (VCV003703927.2).
Genomic context (GRCh38, chr9:100,252,442, plus strand): 5'-CACTTTTCCGAGCCTGTGAGATGGGACACAAAGATGTGATTCAGACACTCATTAAAGGTG[G>C]GCTAATAAGAGTACTCCTAATAAGTCTCTCTTAACAGGTAGGAATTCTTGCATACTCTGT-3'

ClinVar aggregate classification (germline): Uncertain significance (1 of 4 stars; one submission).

Conditions:
Nephronophthisis. Also called: Juvenile Nephronophthisis. Identifiers: Orphanet 655, MedGen C0687120, MONDO:0019005, HP:0000090.

gnomAD v4.1: 2 of 1,613,332 alleles (0.00012%); highest among the groups gnomAD compares: South Asian, 0.0011%; no homozygotes.

Submission:

Labcorp Genetics (formerly Invitae), Labcorp
Classification: Uncertain significance for Nephronophthisis. Last evaluated: 2024-04-25. Review status: criteria provided, single submitter. Criteria: Invitae Variant Classification Sherloc (09022015). Collection method: clinical testing. Allele origin: germline.
Comment: This sequence change falls in intron 9 of the INVS gene. It does not directly change the encoded amino acid sequence of the INVS protein. It affects a nucleotide within the consensus splice site. This variant is not present in population databases (gnomAD no frequency). This variant has not been reported in the literature in individuals affected with INVS-related conditions. Variants that disrupt the consensus splice site are a relatively common cause of aberrant splicing (PMID: 17576681, 9536098). Algorithms developed to predict the effect of sequence changes on RNA splicing suggest that this variant is not likely to affect RNA splicing. In summary, the available evidence is currently insufficient to determine the role of this variant in disease. Therefore, it has been classified as a Variant of Uncertain Significance.

Literature cited by the submitters: PubMed 17576681; PubMed 9536098.